The following is an entry in ClinVar:

NM_000051.4(ATM):c.3747-9T>C

Gene: ATM (ATM serine/threonine kinase; plus strand). Cytogenetic location: 11q22.3.
Variant type: single nucleotide variant.
Coding change: c.3747-9T>C on transcript NM_000051.4 (MANE Select); 9 bases into the intron before coding-DNA position 3747, T replaced by C.
Molecular consequence: intron variant.
Genome position (GRCh38, 1-based): chr11:108,284,218, T>C. VCF-style: chr11-108284218-T-C. GRCh37 (hg19) VCF-style: chr11-108154945-T-C.
Other names: c.3747-9T>C (NM_001351834.2).
Identifiers: ClinVar variation 1619419 (VCV001619419.12), dbSNP rs760676626, ClinGen allele CA6265347.

ClinVar aggregate classification (germline): Likely benign. Review status: criteria provided, multiple submitters, no conflicts (2 of 4 stars). 4 submissions from 4 submitters: Likely benign (4). Last evaluated 2025-10-01.

Conditions:
Hereditary cancer-predisposing syndrome. Also called: Neoplastic Syndromes, Hereditary; Hereditary neoplastic syndrome; Tumor predisposition; Hereditary Cancer Syndrome. Identifiers: Orphanet 140162, MedGen C0027672, MeSH D009386, MONDO:0015356.
Familial cancer of breast. Also called: Hereditary breast cancer; hereditary breast carcinoma; BREAST CANCER, FAMILIAL. Identifiers: Orphanet 227535, MedGen C0346153, MONDO:0016419, OMIM 114480. Disease mechanism: loss of function.
Ataxia-telangiectasia syndrome (AT). Also called: Cerebello-oculocutaneous telangiectasia; Immunodeficiency with ataxia telangiectasia; Ataxia-telangiectasia; Ataxia telangiectasia (A-T); LOUIS-BAR SYNDROME; Ataxia-telangiectasia, complementation group D. Identifiers: Orphanet 100, MedGen C0004135, MONDO:0008840, OMIM 208900.

Allele frequency attached by ClinVar (database versions not stated): gnomAD 0.00002; gnomAD exomes 0.00002 and 0.00003; ExAC 0.00005.
gnomAD v4.1: 13 of 1,591,458 alleles (0.00082%); no homozygotes.

Submissions (4):

Labcorp Genetics (formerly Invitae), Labcorp
Classification: Likely benign for Ataxia-telangiectasia syndrome. Last evaluated: 2025-10-01. Review status: criteria provided, single submitter. Criteria: Invitae Variant Classification Sherloc (09022015). Collection method: clinical testing. Allele origin: germline.

Myriad Genetics, Inc.
Classification: Likely benign for Familial cancer of breast. Last evaluated: 2024-05-15. Review status: criteria provided, single submitter. Criteria: Myriad Autosomal Dominant, Autosomal Recessive and X-Linked Classification Criteria (2023). Collection method: clinical testing. Allele origin: unknown.
Comment: This variant is considered likely benign. This variant is intronic and is not expected to impact mRNA splicing.

Color Diagnostics, LLC DBA Color Health
Classification: Likely benign for Hereditary cancer-predisposing syndrome. Last evaluated: 2022-11-03. Review status: criteria provided, single submitter. Criteria: ACMG Guidelines, 2015. Collection method: clinical testing. Allele origin: germline.

Blueprint Genetics
Classification: Likely benign. Last evaluated: 2022-07-05. Review status: criteria provided, single submitter. Criteria: ACMG Guidelines, 2015. Collection method: clinical testing. Allele origin: germline.